The following is an entry in ClinVar:

ClinVar aggregate classification (germline): Conflicting classifications of pathogenicity. Review status: criteria provided, conflicting classifications (1 of 4 stars). 10 submissions from 10 submitters: Uncertain significance (9); Likely benign (1). Last evaluated 2026-09-21.

Conditions:
Cardiovascular phenotype. Identifiers: MedGen CN230736.
Hypertrophic cardiomyopathy 1 (CMH1). Also called: Familial hypertrophic cardiomyopathy 1; MYH7-Related Familial Hypertrophic Cardiomyopathy. Identifiers: MedGen C3495498, MONDO:0008647, OMIM 192600.
Myopathy, myosin storage, autosomal recessive (CMYO7B). Also called: CONGENITAL MYOPATHY 7B, MYOSIN STORAGE, AUTOSOMAL RECESSIVE. Identifiers: Orphanet 636970, MedGen C1850709, MONDO:0009708, OMIM 255160.
Dilated cardiomyopathy 1S (CMD1S). Identifiers: Orphanet 154, Orphanet 54260, MedGen C1834481, MONDO:0013262, OMIM 613426.
MYH7-related skeletal myopathy. Also called: Myopathy, distal, 1; Laing early-onset distal myopathy; Laing distal myopathy; MYOPATHY, DISTAL, EARLY-ONSET, AUTOSOMAL DOMINANT; MYOPATHY, LATE DISTAL HEREDITARY. Identifiers: Orphanet 59135, MedGen C4552004, MONDO:0008050, OMIM 160500.
Myosin storage myopathy (CMYO7A). Also called: MYOPATHY, HYALINE BODY, AUTOSOMAL DOMINANT; SCAPULOPERONEAL MUSCULAR DYSTROPHY; SCAPULOPERONEAL SYNDROME, MYOPATHIC TYPE; MYOPATHY WITH LYSIS OF TYPE I MYOFIBRILS; MYH7-related late-onset scapuloperoneal muscular dystrophy; Congenital myopathy 7A, myosin storage, autosomal dominant. Identifiers: Orphanet 437572, Orphanet 636965, MedGen C1842160, MONDO:0008409, OMIM 608358.
Congenital myopathy with fiber type disproportion. Also called: Congenital fiber-type disproportion; Congenital fiber-type disproportion myopathy. Identifiers: Orphanet 2020, MedGen C0546264, MONDO:0009711. Inheritance: all.
Cardiomyopathy (CMYO). Also called: Cardiomyopathies. Identifiers: Orphanet 167848, MedGen C0878544, MONDO:0004994, HP:0001638. Inheritance: Various modes of inheritance.
Hypertrophic cardiomyopathy. Also called: HYPERTROPHIC MYOCARDIOPATHY. Identifiers: Orphanet 217569, MedGen C0007194, MeSH D002312, MONDO:0005045, HP:0001639.

Allele frequency attached by ClinVar (database versions not stated): gnomAD exomes 0.00004 and 0.00007; gnomAD 0.00001; TOPMed 0.00003; ExAC 0.00003.
gnomAD v4.1: 100 of 1,613,036 alleles (0.0062%); highest among the groups gnomAD compares: Non-Finnish European, 0.0081%; no homozygotes.

Submissions (10):

Molecular Diagnostic Laboratory for Inherited Cardiovascular Disease, Montreal Heart Institute
Classification: Uncertain significance for Cardiovascular phenotype. Last evaluated: 2026-09-21. Review status: criteria provided, single submitter. Criteria: ACMG Guidelines, 2015. Collection method: clinical testing. Allele origin: germline. Affected: yes.

Labcorp Genetics (formerly Invitae), Labcorp
Classification: Uncertain significance for Hypertrophic cardiomyopathy. Last evaluated: 2025-12-21. Review status: criteria provided, single submitter. Criteria: Invitae Variant Classification Sherloc (09022015). Collection method: clinical testing. Allele origin: germline.
Comment: This sequence change replaces serine, which is neutral and polar, with leucine, which is neutral and non-polar, at codon 1335 of the MYH7 protein (p.Ser1335Leu). This variant is present in population databases (rs397516199, gnomAD 0.006%). This missense change has been observed in individual(s) with hypertrophic cardiomyopathy or dilated cardiomyopathy (PMID: 27532257, 31918855, 31983221, 37652022; internal data). ClinVar contains an entry for this variant (Variation ID: 42987). Invitae Evidence Modeling of protein sequence and biophysical properties (such as structural, functional, and spatial information, amino acid conservation, physicochemical variation, residue mobility, and thermodynamic stability) indicates that this missense variant is expected to disrupt MYH7 protein function with a positive predictive value of 95%. In summary, the available evidence is currently insufficient to determine the role of this variant in disease. Therefore, it has been classified as a Variant of Uncertain Significance.

Color Diagnostics, LLC DBA Color Health
Classification: Uncertain significance for Cardiomyopathy. Last evaluated: 2025-07-15. Review status: criteria provided, single submitter. Criteria: ACMG Guidelines, 2015. Collection method: clinical testing. Allele origin: germline.
Comment: This missense variant replaces serine with leucine at codon 1335 of the MYH7 protein. Computational prediction suggests that this variant may have a deleterious impact on protein structure and function. To our knowledge, functional studies have not been reported for this variant. This variant has been reported in individuals affected with dilated cardiomyopathy (PMID: 27532257, 29773157, 31983221, 37652022). It has also been reported in individuals affected with hypertrophic cardiomyopathy (PMID: 27532257, 37652022) and in an individual affected with left ventricular noncompaction (PMID: 31918855). This variant has been identified in 10/249760 chromosomes in the general population by the Genome Aggregation Database (gnomAD). The available evidence is insufficient to determine the role of this variant in disease conclusively. Therefore, this variant is classified as a Variant of Uncertain Significance.

Ambry Genetics
Classification: Uncertain significance for Cardiovascular phenotype. Last evaluated: 2025-03-25. Review status: criteria provided, single submitter. Criteria: Ambry Variant Classification Scheme 2023. Collection method: clinical testing. Allele origin: germline.
Comment: The p.S1335L variant (also known as c.4004C>T), located in coding exon 28 of the MYH7 gene, results from a C to T substitution at nucleotide position 4004. The serine at codon 1335 is replaced by leucine, an amino acid with dissimilar properties. This variant has been detected in dilated and hypertrophic cardiomyopathy cohorts; however, details were limited (Walsh R et al. Genet. Med., 2017 02;19:192-203; Ware JS et al. J. Am. Coll. Cardiol., 2018 05;71:2293-2302). This variant has also been reported in left ventricular non-compaction (LVNC) and biobank cohorts (Park J et al. Hum Mol Genet, 2022 Mar;31:827-837; Liu S et al. Int J Cardiol, 2020 Mar;302:117-123). This amino acid position is highly conserved in available vertebrate species. In addition, this alteration is predicted to be deleterious by in silico analysis. Since supporting evidence is limited at this time, the clinical significance of this alteration remains unclear.

All of Us Research Program, National Institutes of Health
Classification: Uncertain significance for Cardiomyopathy. Last evaluated: 2024-09-27. Review status: criteria provided, single submitter. Criteria: ACMG Guidelines, 2015. Collection method: clinical testing. Allele origin: germline. Inheritance: Autosomal dominant inheritance. Observed: 7 variant alleles, 7 heterozygotes.
Comment: This missense variant replaces serine with leucine at codon 1335 of the MYH7 protein. Computational prediction suggests that this variant may have a deleterious impact on protein structure and function (internally defined REVEL score threshold >= 0.7, PMID: 27666373). To our knowledge, functional studies have not been reported for this variant. This variant has been reported in individuals affected with dilated cardiomyopathy (PMID: 27532257, 29773157, 31983221). It has also been reported in an individual affected with hypertrophic cardiomyopathy (PMID: 27532257) and in an individual affected with left ventricular noncompaction (PMID: 31918855). This variant has been identified in 10/249760 chromosomes in the general population by the Genome Aggregation Database (gnomAD). The available evidence is insufficient to determine the role of this variant in disease conclusively. Therefore, this variant is classified as a Variant of Uncertain Significance.

This study involves interpretation of variants in research participants for the purpose of population health screening. Participant phenotype was not available at the time of variant classification. Additional details can be found in publication PMID: 35346344, PMCID: PMC8962531

Blueprint Genetics
Classification: Likely benign. Last evaluated: 2022-12-01. Review status: criteria provided, single submitter. Criteria: ACMG Guidelines, 2015. Collection method: clinical testing. Allele origin: germline.

CHEO Genetics Diagnostic Laboratory, Children's Hospital of Eastern Ontario
Classification: Uncertain significance for Cardiomyopathy. Last evaluated: 2022-04-20. Review status: criteria provided, single submitter. Criteria: ACMG Guidelines, 2015. Collection method: clinical testing. Allele origin: germline.

Fulgent Genetics
Classification: Uncertain significance for MYH7-related skeletal myopathy; Myosin storage myopathy; Hypertrophic cardiomyopathy 1; Myopathy, myosin storage, autosomal recessive; Congenital myopathy 4A, autosomal dominant; Dilated cardiomyopathy 1S. Last evaluated: 2021-08-09. Review status: criteria provided, single submitter. Criteria: ACMG Guidelines, 2015. Collection method: clinical testing. Allele origin: unknown.

GeneDx
Classification: Uncertain significance. Last evaluated: 2018-12-18. Review status: criteria provided, single submitter. Criteria: GeneDx Variant Classification (06012015). Collection method: clinical testing. Allele origin: germline. Affected: yes.
Comment: A variant of uncertain significance has been identified in the MYH7 gene. The S1335L variant has reported as a variant of unknown pathogenicity, identified in 1/3200 cardiomyopathy patients (Walsh et al., 2017), though no clinical details or segregation data were provided. The S1335L variant is not observed at a significant frequency in large population cohorts (Lek et al., 2016). Thus far, segregation data is absent for this individual due to lack of participation by informative family members. This variant is a non-conservative amino acid substitution, which is likely to impact secondary protein structure as these residues differ in polarity, charge, size and/or other properties. This substitution occurs at a position that is conserved across species and in silico analysis predicts this variant is probably damaging to the protein structure/function. Thus, this variant lacks observation in a significant number of affected individuals, segregation data, and functional evidence, which would further clarify its pathogenicity. Therefore, based on the currently available information, it is unclear whether this variant is pathogenic or rare benign.

Laboratory for Molecular Medicine, Mass General Brigham Personalized Medicine
Classification: Uncertain significance. Last evaluated: 2014-04-04. Review status: criteria provided, single submitter. Criteria: LMM Criteria. Collection method: clinical testing. Allele origin: germline. Observed: 1 variant allele.
Comment: proposed classification - variant undergoing re-assessment, contact laboratory

Literature cited by the submitters: PubMed 27532257 (cited by 4 submitters); PubMed 31918855 (cited by 4 submitters); PubMed 31983221 (cited by 3 submitters); PubMed 37652022 (cited by Labcorp Genetics (formerly Invitae), Labcorp and Color Diagnostics, LLC DBA Color Health); PubMed 29773157 (cited by 3 submitters); PubMed 34542152 (cited by Ambry Genetics).

NM_000257.4(MYH7):c.4004C>T (p.Ser1335Leu)

Gene: MYH7 (myosin heavy chain 7; minus strand). Cytogenetic location: 14q11.2.
Variant type: single nucleotide variant.
Coding change: c.4004C>T on transcript NM_000257.4 (MANE Select); coding-DNA position 4004, C replaced by T.
Protein change: p.Ser1335Leu; replaces serine 1335 with leucine.
Molecular consequence: missense variant.
Genome position (GRCh38, 1-based): chr14:23,418,375, G>A on the plus strand (C>T on the coding strand, the complement: MYH7 is on the minus strand). VCF-style: chr14-23418375-G-A. GRCh37 (hg19) VCF-style: chr14-23887584-G-A.
Other names: short protein forms S1335L.
Identifiers: ClinVar variation 42987 (VCV000042987.26), dbSNP rs397516199, ClinGen allele CA014343.
Genomic context (GRCh38, chr14:23,418,375, plus strand): 5'-GCCTTGGCCTCCGTCTCCTCCTCGTACTGCTCCCGCAGCAGGTCGCAGTCATGCCGGGCC[G>A]ACTGCAGTGCGTGGGCCAGGGCGTTCTTCGCCTGGGGAGGGGTGGGCACCAGGAGGTGGG-3'
Protein context (NP_000248.2, residues 1325-1345): AKNALAHALQ[Ser1335Leu]ARHDCDLLRE